The following is an entry in ClinVar:

ClinVar aggregate classification (germline): Uncertain significance (1 of 4 stars; one submission).

Conditions:
Mucopolysaccharidosis, MPS-IV-A (MPS4A). Also called: Morquio syndrome A, mild; MORQUIO SYNDROME A; GALACTOSAMINE-6-SULFATASE DEFICIENCY; GALNS DEFICIENCY; MORQUIO A DISEASE; Mucopolysaccharidosis type IV A. Identifiers: Orphanet 309297, Orphanet 582, MedGen C0086651, MONDO:0009659, OMIM 253000.

Allele frequency attached by ClinVar (database versions not stated): ExAC 0.00011; gnomAD 0.00004; TOPMed 0.00006; gnomAD exomes 0.00010.

Submission:

Labcorp Genetics (formerly Invitae), Labcorp
Classification: Uncertain significance for Mucopolysaccharidosis, MPS-IV-A. Last evaluated: 2022-08-06. Review status: criteria provided, single submitter. Criteria: Invitae Variant Classification Sherloc (09022015). Collection method: clinical testing. Allele origin: germline.
Comment: This sequence change falls in intron 7 of the GALNS gene. It does not directly change the encoded amino acid sequence of the GALNS protein. It affects a nucleotide within the consensus splice site. This variant is present in population databases (rs745726568, gnomAD 0.02%). This variant has not been reported in the literature in individuals affected with GALNS-related conditions. Variants that disrupt the consensus splice site are a relatively common cause of aberrant splicing (PMID: 17576681, 9536098). Algorithms developed to predict the effect of sequence changes on RNA splicing suggest that this variant is not likely to affect RNA splicing. In summary, the available evidence is currently insufficient to determine the role of this variant in disease. Therefore, it has been classified as a Variant of Uncertain Significance.

Literature cited by the submitters: PubMed 17576681; PubMed 9536098.

NM_000512.5(GALNS):c.758+3G>A

Gene: GALNS (galactosamine (N-acetyl)-6-sulfatase; minus strand). Cytogenetic location: 16q24.3.
Variant type: single nucleotide variant.
Coding change: c.758+3G>A on transcript NM_000512.5 (MANE Select); 3 bases into the intron after coding-DNA position 758, G replaced by A.
Molecular consequence: intron variant.
Genome position (GRCh38, 1-based): chr16:88,835,722, C>T on the plus strand (G>A on the coding strand, the complement: GALNS is on the minus strand). VCF-style: chr16-88835722-C-T. GRCh37 (hg19) VCF-style: chr16-88902130-C-T.
Other names: c.203+3G>A (NM_001323543.2); c.776+3G>A (NM_001323544.2).
Identifiers: ClinVar variation 2061893 (VCV002061893.1), dbSNP rs745726568, ClinGen allele CA8235002.